The following is an entry in ClinVar:

NM_172095.4(CATSPER2):c.852G>A (p.Pro284=)

Gene: CATSPER2 (cation channel sperm associated 2; minus strand). Cytogenetic location: 15q15.3.
Variant type: single nucleotide variant.
Coding change: c.852G>A on transcript NM_172095.4 (MANE Select); coding-DNA position 852, G replaced by A.
Protein change: p.Pro284=; no amino-acid change (proline 284 retained).
Molecular consequence: synonymous variant. On other transcripts: non-coding transcript variant (2).
Genome position (GRCh38, 1-based): chr15:43,636,210, C>T on the plus strand (G>A on the coding strand, the complement: CATSPER2 is on the minus strand). VCF-style: chr15-43636210-C-T. GRCh37 (hg19) VCF-style: chr15-43928408-C-T.
Other names: c.852G>A, p.Pro284= (NM_001282309.3); c.870G>A, p.Pro290= (NM_001282310.2).
Identifiers: ClinVar variation 3905468 (VCV003905468.10).

ClinVar aggregate classification (germline): Likely benign (1 of 4 stars; one submission).

gnomAD v4.1: 73 of 1,612,920 alleles (0.0045%); highest among the groups gnomAD compares: East Asian, 0.042%; 2 homozygotes.

Submission:

CeGaT Center for Human Genetics Tuebingen
Classification: Likely benign. Last evaluated: 2025-06-01. Review status: criteria provided, single submitter. Criteria: CeGaT Center For Human Genetics Tuebingen Variant Classification Criteria Version 2. Collection method: clinical testing. Allele origin: germline. Affected: yes. Observed: 1 variant allele.
Comment: CATSPER2: BP4, BP7